The following is an entry in ClinVar:

NM_153460.4(IL17RC):c.1442C>G (p.Ala481Gly)

Gene: IL17RC (interleukin 17 receptor C; plus strand). Cytogenetic location: 3p25.3.
Variant type: single nucleotide variant.
Coding change: c.1442C>G on transcript NM_153460.4 (MANE Select); coding-DNA position 1442, C replaced by G.
Protein change: p.Ala481Gly; replaces alanine 481 with glycine.
Molecular consequence: missense variant. On other transcripts: non-coding transcript variant (1).
Genome position (GRCh38, 1-based): chr3:9,932,662, C>G. VCF-style: chr3-9932662-C-G. GRCh37 (hg19) VCF-style: chr3-9974346-C-G.
Other names: c.1442C>G, p.Ala481Gly (NM_001203263.2); c.1391C>G, p.Ala464Gly (NM_001203264.2); c.1346C>G, p.Ala449Gly (NM_001203265.2, NM_001410711.1); c.1403C>G, p.Ala468Gly (NM_001367278.1); c.1322C>G, p.Ala441Gly (NM_001367279.1); c.1397C>G, p.Ala466Gly (NM_001367280.1, NM_032732.6); c.1655C>G, p.Ala552Gly (NM_153461.4); short protein forms A449G, A468G, A481G, A441G, A464G, A552G, A466G.
Identifiers: ClinVar variation 2782861 (VCV002782861.3), dbSNP rs762968895, ClinGen allele CA2247283.

ClinVar aggregate classification (germline): Uncertain significance (1 of 4 stars; one submission).

Conditions:
Candidiasis, familial, 9 (CANDF9). Identifiers: Orphanet 1334, MedGen C4225324, MONDO:0014642, OMIM 616445.

Allele frequency attached by ClinVar (database versions not stated): TOPMed below 0.00001; ExAC 0.00002; gnomAD 0.00002.

Submission:

Labcorp Genetics (formerly Invitae), Labcorp
Classification: Uncertain significance for Candidiasis, familial, 9. Last evaluated: 2026-01-13. Review status: criteria provided, single submitter. Criteria: Invitae Variant Classification Sherloc (09022015). Collection method: clinical testing. Allele origin: germline.
Comment: This sequence change replaces alanine, which is neutral and non-polar, with glycine, which is neutral and non-polar, at codon 552 of the IL17RC protein (p.Ala552Gly). This variant is present in population databases (rs762968895, gnomAD 0.003%). This variant has not been reported in the literature in individuals affected with IL17RC-related conditions. ClinVar contains an entry for this variant (Variation ID: 2782861). An algorithm developed to predict the effect of missense changes on protein structure and function (PolyPhen-2) suggests that this variant is likely to be disruptive. In summary, the available evidence is currently insufficient to determine the role of this variant in disease. Therefore, it has been classified as a Variant of Uncertain Significance.